The following is an entry in ClinVar:

ClinVar aggregate classification (germline): Uncertain significance (1 of 4 stars; one submission).

Allele frequency attached by ClinVar (database versions not stated): gnomAD 0.00001; gnomAD exomes 0.00001.
gnomAD v4.1: 6 of 1,614,028 alleles (0.00037%); highest among the groups gnomAD compares: Non-Finnish European, 0.00034%; no homozygotes.

Submission:

Labcorp Genetics (formerly Invitae), Labcorp
Classification: Uncertain significance. Last evaluated: 2024-09-16. Review status: criteria provided, single submitter. Criteria: Invitae Variant Classification Sherloc (09022015). Collection method: clinical testing. Allele origin: germline.
Comment: This sequence change replaces isoleucine, which is neutral and non-polar, with methionine, which is neutral and non-polar, at codon 3445 of the ANK3 protein (p.Ile3445Met). The frequency data for this variant in the population databases is considered unreliable, as metrics indicate poor data quality at this position in the gnomAD database. This variant has not been reported in the literature in individuals affected with ANK3-related conditions. ClinVar contains an entry for this variant (Variation ID: 1368734). Invitae Evidence Modeling of protein sequence and biophysical properties (such as structural, functional, and spatial information, amino acid conservation, physicochemical variation, residue mobility, and thermodynamic stability) indicates that this missense variant is not expected to disrupt ANK3 protein function with a negative predictive value of 80%. In summary, the available evidence is currently insufficient to determine the role of this variant in disease. Therefore, it has been classified as a Variant of Uncertain Significance.

NM_020987.5(ANK3):c.10335C>G (p.Ile3445Met)

Gene: ANK3 (ankyrin 3; minus strand). Cytogenetic location: 10q21.2.
Variant type: single nucleotide variant.
Coding change: c.10335C>G on transcript NM_020987.5 (MANE Select); coding-DNA position 10335, C replaced by G.
Protein change: p.Ile3445Met; replaces isoleucine 3445 with methionine.
Molecular consequence: missense variant. On other transcripts: intron variant (4).
Genome position (GRCh38, 1-based): chr10:60,070,546, G>C on the plus strand (C>G on the coding strand, the complement: ANK3 is on the minus strand). VCF-style: chr10-60070546-G-C. GRCh37 (hg19) VCF-style: chr10-61830304-G-C.
Other names: c.4388-2537C>G (NM_001204403.2); c.4409-2537C>G (NM_001204404.2); c.4406-2537C>G (NM_001320874.2); c.1808-2537C>G (NM_001149.4); short protein forms I3445M.
Identifiers: ClinVar variation 1368734 (VCV001368734.8), dbSNP rs1475463874, ClinGen allele CA377000788.